The following is an entry in ClinVar:

NM_000059.4(BRCA2):c.5159C>G (p.Ser1720Ter)

Gene: BRCA2 (BRCA2 DNA repair associated; plus strand). Cytogenetic location: 13q13.1.
Variant type: single nucleotide variant.
Coding change: c.5159C>G on transcript NM_000059.4 (MANE Select); coding-DNA position 5159, C replaced by G.
Protein change: p.Ser1720Ter; replaces serine 1720 with a stop codon.
Molecular consequence: nonsense.
Genome position (GRCh38, 1-based): chr13:32,339,514, C>G. VCF-style: chr13-32339514-C-G. GRCh37 (hg19) VCF-style: chr13-32913651-C-G.
Other names: short protein forms S1720*.
Identifiers: ClinVar variation 51782 (VCV000051782.6), dbSNP rs80358740, ClinGen allele CA021435.

ClinVar aggregate classification (germline): Pathogenic. Review status: reviewed by expert panel (3 of 4 stars). 5 submissions from 5 submitters: Pathogenic (1). 4 of the submissions do not count toward it. Last evaluated 2016-09-08.

Conditions:
Hereditary cancer-predisposing syndrome. Also called: Hereditary Cancer Syndrome; Hereditary neoplastic syndrome; Neoplastic Syndromes, Hereditary; Tumor predisposition. Identifiers: Orphanet 140162, MedGen C0027672, MeSH D009386, MONDO:0015356.
Hereditary breast ovarian cancer syndrome. Also called: Hereditary breast and ovarian cancer syndrome (HBOC); Hereditary breast and ovarian cancer syndrome; Hereditary breast and/or ovarian cancer syndrome; Breast and ovarian cancer; BRCA1- and BRCA2-Associated Hereditary Breast and Ovarian Cancer; Hereditary breast and ovarian cancer. Identifiers: Orphanet 145, MedGen C0677776, MeSH D061325, MONDO:0003582. Disease mechanism: loss of function.
Breast-ovarian cancer, familial, susceptibility to, 2 (BROVCA2). Also called: BRCA2 Hereditary Breast and Ovarian Cancer. Identifiers: Orphanet 145, MedGen C2675520, MONDO:0012933, OMIM 612555. Disease mechanism: loss of function.

Submissions (5):

Evidence-based Network for the Interpretation of Germline Mutant Alleles (ENIGMA)
Classification: Pathogenic for Breast-ovarian cancer, familial, susceptibility to, 2. Last evaluated: 2016-09-08. Review status: reviewed by expert panel. Criteria: ENIGMA BRCA1/2 Classification Criteria (2015). Collection method: curation. Allele origin: germline.
Comment: Variant allele predicted to encode a truncated non-functional protein.

Ambry Genetics
Classification: Pathogenic for Hereditary cancer-predisposing syndrome. Last evaluated: 2026-02-13. Review status: criteria provided, single submitter. Criteria: Ambry Variant Classification Scheme 2023. Collection method: clinical testing. Allele origin: germline. Not counted in ClinVar's aggregate classification.
Comment: The p.S1720* pathogenic mutation (also known as c.5159C>G), located in coding exon 10 of the BRCA2 gene, results from a C to G substitution at nucleotide position 5159. This changes the amino acid from a serine to a stop codon within coding exon 10. This variant is considered to be rare based on population cohorts in the Genome Aggregation Database (gnomAD). This variant is expected to result in loss of function by premature protein truncation or nonsense-mediated mRNA decay. As such, this variant is interpreted as a disease-causing mutation.

Labcorp Genetics (formerly Invitae), Labcorp
Classification: Pathogenic for Hereditary breast ovarian cancer syndrome. Last evaluated: 2024-03-05. Review status: criteria provided, single submitter. Criteria: Invitae Variant Classification Sherloc (09022015). Collection method: clinical testing. Allele origin: germline. Not counted in ClinVar's aggregate classification.
Comment: This sequence change creates a premature translational stop signal (p.Ser1720*) in the BRCA2 gene. It is expected to result in an absent or disrupted protein product. Loss-of-function variants in BRCA2 are known to be pathogenic (PMID: 20104584). This variant is not present in population databases (gnomAD no frequency). This premature translational stop signal has been observed in individual(s) with BRCA2-related conditions (PMID: 35166990). ClinVar contains an entry for this variant (Variation ID: 51782). For these reasons, this variant has been classified as Pathogenic.

Consortium of Investigators of Modifiers of BRCA1/2 (CIMBA), c/o University of Cambridge
Classification: Pathogenic for Breast-ovarian cancer, familial, susceptibility to, 2. Last evaluated: 2015-10-02. Review status: criteria provided, single submitter. Criteria: CIMBA Mutation Classification guidelines May 2016. Collection method: clinical testing. Allele origin: germline. Not counted in ClinVar's aggregate classification.

Breast Cancer Information Core (BIC) (BRCA2)
Classification: Pathogenic for Breast-ovarian cancer, familial 2. Last evaluated: 2004-02-20. Review status: no assertion criteria provided. Collection method: clinical testing. Allele origin: germline. Affected: yes. Observed: 1 variant allele. Not counted in ClinVar's aggregate classification.

Literature cited by the submitters: PubMed 20104584 (cited by Labcorp Genetics (formerly Invitae), Labcorp); PubMed 35166990 (cited by Labcorp Genetics (formerly Invitae), Labcorp).